The following is an entry in ClinVar:

ClinVar aggregate classification (germline): Uncertain significance (1 of 4 stars; one submission).

Conditions:
Ataxia-telangiectasia syndrome (AT). Also called: Ataxia-telangiectasia, complementation group D; AT, COMPLEMENTATION GROUP C; Ataxia-telangiectasia, complementation group E; Cerebello-oculocutaneous telangiectasia; Immunodeficiency with ataxia telangiectasia; ATAXIA-TELANGIECTASIA, COMPLEMENTATION GROUP A. Identifiers: Orphanet 100, MedGen C0004135, MONDO:0008840, OMIM 208900.

Submission:

Labcorp Genetics (formerly Invitae), Labcorp
Classification: Uncertain significance for Ataxia-telangiectasia syndrome. Last evaluated: 2022-02-19. Review status: criteria provided, single submitter. Criteria: Invitae Variant Classification Sherloc (09022015). Collection method: clinical testing. Allele origin: germline.
Comment: ClinVar contains an entry for this variant (Variation ID: 583065). Variants that disrupt the consensus splice site are a relatively common cause of aberrant splicing (PMID: 17576681, 9536098). Algorithms developed to predict the effect of sequence changes on RNA splicing suggest that this variant may disrupt the consensus splice site. In summary, the available evidence is currently insufficient to determine the role of this variant in disease. Therefore, it has been classified as a Variant of Uncertain Significance. This sequence change falls in intron 20 of the ATM gene. It does not directly change the encoded amino acid sequence of the ATM protein. It affects a nucleotide within the consensus splice site. This variant is not present in population databases (gnomAD no frequency). This variant has not been reported in the literature in individuals affected with ATM-related conditions.

Literature cited by the submitters: PubMed 17576681; PubMed 9536098.

NM_000051.4(ATM):c.3077+6T>A

Gene: ATM (ATM serine/threonine kinase; plus strand). Cytogenetic location: 11q22.3.
Variant type: single nucleotide variant.
Coding change: c.3077+6T>A on transcript NM_000051.4 (MANE Select); 6 bases into the intron after coding-DNA position 3077, T replaced by A.
Molecular consequence: intron variant.
Genome position (GRCh38, 1-based): chr11:108,271,412, T>A. VCF-style: chr11-108271412-T-A. GRCh37 (hg19) VCF-style: chr11-108142139-T-A.
Other names: c.3077+6T>A (NM_001351834.2).
Identifiers: ClinVar variation 583065 (VCV000583065.9), dbSNP rs1565426002, ClinGen allele CA891842963.